The following is an entry in ClinVar:

ClinVar aggregate classification (germline): Uncertain significance (1 of 4 stars; one submission).

gnomAD v4.1: 15 of 1,613,462 alleles (0.00093%); highest among the groups gnomAD compares: Non-Finnish European, 0.0012%; no homozygotes.

Submission:

Labcorp Genetics (formerly Invitae), Labcorp
Classification: Uncertain significance. Last evaluated: 2025-11-03. Review status: criteria provided, single submitter. Criteria: Invitae Variant Classification Sherloc (09022015). Collection method: clinical testing. Allele origin: germline.
Comment: This sequence change replaces isoleucine, which is neutral and non-polar, with methionine, which is neutral and non-polar, at codon 180 of the SSR3 protein (p.Ile180Met). This variant is present in population databases (no rsID available, gnomAD 0.0009%). This variant has not been reported in the literature in individuals affected with SSR3-related conditions. An algorithm developed to predict the effect of missense changes on protein structure and function (PolyPhen-2) suggests that this variant is likely to be disruptive. In summary, the available evidence is currently insufficient to determine the role of this variant in disease. Therefore, it has been classified as a Variant of Uncertain Significance.

NM_007107.5(SSR3):c.501A>G (p.Ile167Met)

Gene: SSR3 (signal sequence receptor subunit 3; minus strand). Cytogenetic location: 3q25.31.
Variant type: single nucleotide variant.
Coding change: c.501A>G on transcript NM_007107.5 (MANE Select); coding-DNA position 501, A replaced by G.
Protein change: p.Ile167Met; replaces isoleucine 167 with methionine.
Molecular consequence: missense variant.
Genome position (GRCh38, 1-based): chr3:156,543,260, T>C on the plus strand (A>G on the coding strand, the complement: SSR3 is on the minus strand). VCF-style: chr3-156543260-T-C. GRCh37 (hg19) VCF-style: chr3-156261049-T-C.
Other names: c.540A>G, p.Ile180Met (NM_001308197.2); c.345A>G, p.Ile115Met (NM_001308204.2, NM_001308205.2); short protein forms I115M, I167M, I180M.
Identifiers: ClinVar variation 4745598 (VCV004745598.1).